The following is an entry in ClinVar:

ClinVar aggregate classification (germline): Benign/Likely benign. Review status: criteria provided, multiple submitters, no conflicts (2 of 4 stars). 6 submissions from 6 submitters: Benign (2); Likely benign (4). Last evaluated 2026-06-17.

Conditions:
Polyps, multiple and recurrent inflammatory fibroid, gastrointestinal. Identifiers: MedGen C5193005, MONDO:0008285, OMIM 175510.
Hereditary cancer-predisposing syndrome. Also called: Tumor predisposition; Hereditary Cancer Syndrome; Neoplastic Syndromes, Hereditary; Hereditary neoplastic syndrome. Identifiers: Orphanet 140162, MedGen C0027672, MeSH D009386, MONDO:0015356.
Gastrointestinal stromal tumor. Also called: Gastrointestinal stromal tumor, somatic; Gastrointestinal stroma tumor. Identifiers: Orphanet 44890, MedGen C0238198, MeSH D046152, MONDO:0011719, OMIM 606764, HP:0100723.

Allele frequency attached by ClinVar (database versions not stated): gnomAD 0.00008 and 0.00009; TOPMed 0.00020; gnomAD exomes 0.00021 and 0.00030; ExAC 0.00039.
gnomAD v4.1: 315 of 1,613,170 alleles (0.02%); highest among the groups gnomAD compares: Admixed American, 0.097%; 1 homozygote.

Submissions (6):

Myriad Genetics, Inc.
Classification: Benign for Polyps, multiple and recurrent inflammatory fibroid, gastrointestinal. Last evaluated: 2026-06-17. Review status: criteria provided, single submitter. Criteria: Myriad Autosomal Dominant, Autosomal Recessive and X-Linked Classification Criteria (2023). Collection method: clinical testing. Allele origin: unknown.
Comment: This variant is considered benign. This variant is a silent/synonymous amino acid change and it is not expected to impact splicing.

Labcorp Genetics (formerly Invitae), Labcorp
Classification: Benign for Gastrointestinal stromal tumor. Last evaluated: 2026-02-03. Review status: criteria provided, single submitter. Criteria: Invitae Variant Classification Sherloc (09022015). Collection method: clinical testing. Allele origin: germline.

CeGaT Center for Human Genetics Tuebingen
Classification: Likely benign. Last evaluated: 2025-08-01. Review status: criteria provided, single submitter. Criteria: CeGaT Center For Human Genetics Tuebingen Variant Classification Criteria Version 2. Collection method: clinical testing. Allele origin: germline. Affected: yes. Observed: 3 variant alleles.
Comment: PDGFRA: BP4, BP7

Laboratory of Genetics, Children's Clinical University Hospital Latvia
Classification: Likely benign. Last evaluated: 2025-02-16. Review status: criteria provided, single submitter. Criteria: ACMG Guidelines, 2015. Collection method: clinical testing. Allele origin: germline. Affected: yes.

Sema4
Classification: Likely benign for Hereditary cancer-predisposing syndrome. Last evaluated: 2021-04-11. Review status: criteria provided, single submitter. Criteria: Sema4 Curation Guidelines. Collection method: curation. Allele origin: germline.

Ambry Genetics
Classification: Likely benign for Hereditary cancer-predisposing syndrome. Last evaluated: 2018-12-14. Review status: criteria provided, single submitter. Criteria: Ambry Variant Classification Scheme 2023. Collection method: clinical testing. Allele origin: germline.

NM_006206.6(PDGFRA):c.2205G>A (p.Lys735=)

Gene: PDGFRA (platelet derived growth factor receptor alpha; plus strand). Cytogenetic location: 4q12.
Variant type: single nucleotide variant.
Coding change: c.2205G>A on transcript NM_006206.6 (MANE Select); coding-DNA position 2205, G replaced by A.
Protein change: p.Lys735=; no amino-acid change (lysine 735 retained).
Molecular consequence: synonymous variant.
Genome position (GRCh38, 1-based): chr4:54,280,364, G>A. VCF-style: chr4-54280364-G-A. GRCh37 (hg19) VCF-style: chr4-55146531-G-A.
Other names: c.2205G>A, p.Lys735= (NM_001347827.2, NM_001347829.2); c.2280G>A, p.Lys760= (NM_001347828.2); c.2244G>A, p.Lys748= (NM_001347830.2).
Identifiers: ClinVar variation 240326 (VCV000240326.42), dbSNP rs758609201, ClinGen allele CA2922787.